The following is an entry in ClinVar:

NM_000038.6(APC):c.2567dup (p.Gly857fs)

Gene: APC (APC regulator of Wnt signaling pathway; plus strand). Cytogenetic location: 5q22.2.
Variant type: Duplication.
Coding change: c.2567dup on transcript NM_000038.6 (MANE Select); coding-DNA position 2567, one base duplicated (G; older notation c.2567dupG).
Protein change: p.Gly857fs; shifts the reading frame from glycine 857.
Molecular consequence: frameshift variant.
Genome position (GRCh38, 1-based): chr5:112,838,161, G duplicated. VCF-style (leftmost placement, unchanged base first): chr5-112838160-C-CG. GRCh37 (hg19) VCF-style: chr5-112173857-C-CG.
Other names: c.2567dup, p.Gly857fs (NM_001127510.3, NM_001354895.2); c.2513dup, p.Gly839fs (NM_001127511.3); c.2621dup, p.Gly875fs (NM_001354896.2); c.2597dup, p.Gly867fs (NM_001354897.2); c.2492dup, p.Gly832fs (NM_001354898.2); c.2483dup, p.Gly829fs (NM_001354899.2); c.2444dup, p.Gly816fs (NM_001354900.2); c.2390dup, p.Gly798fs (NM_001354901.2); and 5 more; short protein forms G697fs, G731fs, G832fs, G756fs, G816fs, G829fs, G857fs, G574fs.
Identifiers: ClinVar variation 421355 (VCV000421355.3), dbSNP rs1554084266, ClinGen allele CA16618078.

ClinVar aggregate classification (germline): Pathogenic. Review status: criteria provided, multiple submitters, no conflicts (2 of 4 stars). 2 submissions from 2 submitters: Pathogenic (2). Last evaluated 2023-05-04.

Conditions:
Familial adenomatous polyposis 1 (FAP1). Also called: FAMILIAL ADENOMATOUS POLYPOSIS 1, ATTENUATED; POLYPOSIS, ADENOMATOUS INTESTINAL. Identifiers: MedGen C2713442, MONDO:0021056, OMIM 175100. Disease mechanism: loss of function.

Submissions (2):

Myriad Genetics, Inc.
Classification: Pathogenic for Familial adenomatous polyposis 1. Last evaluated: 2023-05-04. Review status: criteria provided, single submitter. Criteria: Myriad Autosomal Dominant, Autosomal Recessive and X-Linked Classification Criteria (2023). Collection method: clinical testing. Allele origin: unknown.
Comment: This variant is considered pathogenic. This variant creates a frameshift predicted to result in premature protein truncation.

GeneDx
Classification: Pathogenic. Last evaluated: 2016-06-13. Review status: criteria provided, single submitter. Criteria: GeneDx Variant Classification (06012015). Collection method: clinical testing. Allele origin: germline. Affected: yes.
Comment: This duplication of one nucleotide in APC is denoted c.2567dupG at the cDNA level and p.Gly857ArgfsX55 (G857RfsX55) at the protein level. The normal sequence, with the base that is duplicated in braces, is GAAC[G]CGGA. The duplication causes a frameshift which changes a Glycine to an Arginine at codon 857, and creates a premature stop codon at position 55 of the new reading frame. Although this variant has not, to our knowledge, been reported in the literature, it is predicted to cause loss of normal protein function through protein truncation. We consider this variant to be pathogenic.